The following is an entry in ClinVar:

ClinVar aggregate classification (germline): Uncertain significance. Review status: criteria provided, multiple submitters, no conflicts (2 of 4 stars). 4 submissions from 4 submitters: Uncertain significance (4). Last evaluated 2026-06-26.

Conditions:
Nephronophthisis 15 (NPHP15). Identifiers: Orphanet 3156, MedGen C3541853, MONDO:0013917, OMIM 614845.
Inborn genetic diseases. Identifiers: MedGen C0950123, MeSH D030342.
CEP164-related disorder. Also called: CEP164-related condition.

Allele frequency attached by ClinVar (database versions not stated): gnomAD 0.00008 and 0.00009; TOPMed 0.00010; ESP Exome Variant Server 0.00023.
gnomAD v4.1: 168 of 1,614,092 alleles (0.01%); highest among the groups gnomAD compares: Non-Finnish European, 0.012%; no homozygotes.

Submissions (4):

PreventionGenetics, part of Exact Sciences
Classification: Uncertain significance for CEP164-related condition. Last evaluated: 2026-06-26. Review status: criteria provided, single submitter. Criteria: ACMG Guidelines, 2015. Collection method: clinical testing. Allele origin: germline.
Comment: The CEP164 c.4330C>G variant is predicted to result in the amino acid substitution p.Leu1444Val. To our knowledge, this variant has not been reported in the literature. This variant is reported in 0.021% of alleles in individuals of European (Non-Finnish) descent in gnomAD. At this time, the clinical significance of this variant is uncertain due to the absence of conclusive functional and genetic evidence.

Ambry Genetics
Classification: Uncertain significance for Inborn genetic diseases. Last evaluated: 2025-08-01. Review status: criteria provided, single submitter. Criteria: Ambry Variant Classification Scheme 2023. Collection method: clinical testing. Allele origin: germline.

Fulgent Genetics
Classification: Uncertain significance for Nephronophthisis 15. Last evaluated: 2024-02-25. Review status: criteria provided, single submitter. Criteria: ACMG Guidelines, 2015. Collection method: clinical testing. Allele origin: germline.

Labcorp Genetics (formerly Invitae), Labcorp
Classification: Uncertain significance for Nephronophthisis 15. Last evaluated: 2022-10-24. Review status: criteria provided, single submitter. Criteria: Invitae Variant Classification Sherloc (09022015). Collection method: clinical testing. Allele origin: germline.
Comment: This sequence change replaces leucine, which is neutral and non-polar, with valine, which is neutral and non-polar, at codon 1444 of the CEP164 protein (p.Leu1444Val). This variant is present in population databases (rs143919649, gnomAD 0.02%). This variant has not been reported in the literature in individuals affected with CEP164-related conditions. ClinVar contains an entry for this variant (Variation ID: 851508). Advanced modeling of protein sequence and biophysical properties (such as structural, functional, and spatial information, amino acid conservation, physicochemical variation, residue mobility, and thermodynamic stability) has been performed at Invitae for this missense variant, however the output from this modeling did not meet the statistical confidence thresholds required to predict the impact of this variant on CEP164 protein function. In summary, the available evidence is currently insufficient to determine the role of this variant in disease. Therefore, it has been classified as a Variant of Uncertain Significance.

NM_014956.5(CEP164):c.4330C>G (p.Leu1444Val)

Gene: CEP164 (centrosomal protein 164; plus strand). Cytogenetic location: 11q23.3.
Variant type: single nucleotide variant.
Coding change: c.4330C>G on transcript NM_014956.5 (MANE Select); coding-DNA position 4330, C replaced by G.
Protein change: p.Leu1444Val; replaces leucine 1444 with valine.
Molecular consequence: missense variant.
Genome position (GRCh38, 1-based): chr11:117,412,115, C>G. VCF-style: chr11-117412115-C-G. GRCh37 (hg19) VCF-style: chr11-117282831-C-G.
Other names: c.4315C>G, p.Leu1439Val (NM_001271933.2); short protein forms L1444V, L1439V.
Identifiers: ClinVar variation 851508 (VCV000851508.12), dbSNP rs143919649, ClinGen allele CA6295802.